The following is an entry in ClinVar:

NM_152296.5(ATP1A3):c.92T>C (p.Met31Thr)

Gene: ATP1A3 (ATPase Na+/K+ transporting subunit alpha 3; minus strand). Cytogenetic location: 19q13.2.
Variant type: single nucleotide variant.
Coding change: c.92T>C on transcript NM_152296.5 (MANE Select); coding-DNA position 92, T replaced by C.
Protein change: p.Met31Thr; replaces methionine 31 with threonine.
Molecular consequence: missense variant.
Genome position (GRCh38, 1-based): chr19:41,988,477, A>G on the plus strand (T>C on the coding strand, the complement: ATP1A3 is on the minus strand). VCF-style: chr19-41988477-A-G. GRCh37 (hg19) VCF-style: chr19-42492629-A-G.
Other names: c.125T>C, p.Met42Thr (NM_001256213.2); c.131T>C, p.Met44Thr (NM_001256214.2); c.92T>C (NM_152296.4); short protein forms M31T, M42T, M44T.
Identifiers: ClinVar variation 2061692 (VCV002061692.5), dbSNP rs1461631461, ClinGen allele CA406057628.

ClinVar aggregate classification (germline): Uncertain significance. Review status: criteria provided, multiple submitters, no conflicts (2 of 4 stars). 2 submissions from 2 submitters: Uncertain significance (2). Last evaluated 2025-06-24.

Conditions:
Dystonia 12 (DYT12). Also called: DYT-ATP1A3; Rapid-Onset Dystonia-Parkinsonism (RDP). Identifiers: Orphanet 71517, MedGen C1868681, MONDO:0007496, OMIM 128235.

Allele frequency attached by ClinVar (database versions not stated): gnomAD exomes below 0.00001; TOPMed below 0.00001.
gnomAD v4.1: 1 of 1,614,148 alleles (0.000062%); highest among the groups gnomAD compares: Non-Finnish European, 0.000085%; no homozygotes.

Submissions (2):

GeneDx
Classification: Uncertain significance. Last evaluated: 2025-06-24. Review status: criteria provided, single submitter. Criteria: GeneDx Variant Classification Process June 2021. Collection method: clinical testing. Allele origin: germline. Affected: yes.
Comment: Not observed at significant frequency in large population cohorts (gnomAD); In silico analysis supports that this missense variant has a deleterious effect on protein structure/function; Has not been previously published as pathogenic or benign to our knowledge

Labcorp Genetics (formerly Invitae), Labcorp
Classification: Uncertain significance for Dystonia 12. Last evaluated: 2022-07-21. Review status: criteria provided, single submitter. Criteria: Invitae Variant Classification Sherloc (09022015). Collection method: clinical testing. Allele origin: germline.
Comment: In summary, the available evidence is currently insufficient to determine the role of this variant in disease. Therefore, it has been classified as a Variant of Uncertain Significance. Algorithms developed to predict the effect of missense changes on protein structure and function are either unavailable or do not agree on the potential impact of this missense change (SIFT: "Deleterious"; PolyPhen-2: "Benign"; Align-GVGD: "Class C0"). This variant has not been reported in the literature in individuals affected with ATP1A3-related conditions. This variant is not present in population databases (gnomAD no frequency). This sequence change replaces methionine, which is neutral and non-polar, with threonine, which is neutral and polar, at codon 31 of the ATP1A3 protein (p.Met31Thr).